The following is an entry in ClinVar:

ClinVar aggregate classification (germline): Uncertain significance (1 of 4 stars; one submission).

Submission:

GeneDx
Classification: Uncertain significance. Last evaluated: 2024-12-04. Review status: criteria provided, single submitter. Criteria: GeneDx Variant Classification Process June 2021. Collection method: clinical testing. Allele origin: germline. Affected: yes.
Comment: Not observed at significant frequency in large population cohorts (gnomAD); In silico analysis supports that this missense variant has a deleterious effect on protein structure/function; Has not been previously published as pathogenic or benign to our knowledge

NM_004562.3(PRKN):c.1078T>C (p.Cys360Arg)

Gene: PRKN (parkin RBR E3 ubiquitin protein ligase; minus strand). Cytogenetic location: 6q26.
Variant type: single nucleotide variant.
Coding change: c.1078T>C on transcript NM_004562.3 (MANE Select); coding-DNA position 1078, T replaced by C.
Protein change: p.Cys360Arg; replaces cysteine 360 with arginine.
Molecular consequence: missense variant.
Genome position (GRCh38, 1-based): chr6:161,548,859, A>G on the plus strand (T>C on the coding strand, the complement: PRKN is on the minus strand). VCF-style: chr6-161548859-A-G. GRCh37 (hg19) VCF-style: chr6-161969891-A-G.
Other names: c.994T>C, p.Cys332Arg (NM_013987.3); c.631T>C, p.Cys211Arg (NM_013988.3); short protein forms C211R, C332R, C360R.
Identifiers: ClinVar variation 3901641 (VCV003901641.1).